The following is an entry in ClinVar:

NM_000169.3(GLA):c.1225C>T (p.Pro409Ser)

Genes: GLA (galactosidase alpha; minus strand), RPL36A-HNRNPH2 (RPL36A-HNRNPH2 readthrough; plus strand). Cytogenetic location: Xq22.1.
Variant type: single nucleotide variant.
Coding change: c.1225C>T on transcript NM_000169.3 (MANE Select); coding-DNA position 1225, C replaced by T.
Protein change: p.Pro409Ser; replaces proline 409 with serine.
Molecular consequence: missense variant. On other transcripts: non-coding transcript variant (3), intron variant (2).
Genome position (GRCh38, 1-based): chrX:101,397,874, G>A on the plus strand (C>T on the coding strand, the complement: GLA is on the minus strand). VCF-style: chrX-101397874-G-A. GRCh37 (hg19) VCF-style: chrX-100652862-G-A.
Other names: c.1348C>T, p.Pro450Ser (NM_001406747.1); c.300+2417G>A (NM_001199973.2); c.177+6052G>A (NM_001199974.2); short protein forms P409S, P450S.
Identifiers: ClinVar variation 237123 (VCV000237123.16), dbSNP rs878853698, ClinGen allele CA10583928.

ClinVar aggregate classification (germline): Pathogenic/Likely pathogenic. Review status: criteria provided, multiple submitters, no conflicts (2 of 4 stars). 4 submissions from 4 submitters: Pathogenic (2); Likely pathogenic (2). Last evaluated 2026-09-08.

Conditions:
Fabry disease. Also called: Fabry's disease; ALPHA-GALACTOSIDASE A DEFICIENCY; ANDERSON-FABRY DISEASE; Ceramide trihexosidosis; Angiokeratoma corporis diffusum; CERAMIDE TRIHEXOSIDASE DEFICIENCY. Identifiers: Orphanet 324, MedGen C0002986, MONDO:0010526, OMIM 301500, HP:0001071. Disease mechanism: Fabry disease is due to inactivating mutations in the X-linked GLA gene resulting in deficiency of the enzyme Alpha Galactosidase-A., loss of function.

Submissions (4):

Genomenon, Inc
Classification: Likely pathogenic for Fabry disease. Last evaluated: 2026-09-08. Review status: criteria provided, single submitter. Criteria: Genomenon Sequence Variant Interpretation Standards - Updated. Collection method: curation. Allele origin: germline. Affected: yes.
Comment: GLA p.Pro409Ser (c.1225C>T) is a missense variant that changes the amino acid at codon 409 from Proline to Serine. This variant has been observed in at least one proband with clinical features consistent with Fabry disease (PMID:26880903;31392112;17656478;12428061;28768754). At least one functional study has demonstrated a substantial alteration in protein function relative to the wild-type (PMID:27657681). It is absent or not present at a significant frequency in gnomAD. In silico models predict that this variant is possibly or probably damaging. In conclusion, we classify GLA p.Pro409Ser (c.1225C>T) as a likely pathogenic variant.

Serv. Biochemistry and Molecular genetics, Hospital Clinic de Barcelona, Hospital Clínic de Barcelona
Classification: Pathogenic for Fabry disease. Last evaluated: 2026-05-21. Review status: criteria provided, single submitter. Criteria: ACMG Guidelines, 2015. Collection method: clinical testing. Allele origin: germline. Inheritance: X-linked inheritance. Affected: yes. Observed: 2 variant alleles.
Comment: Classification reported in the manuscript using ACMG criteria/in silico tools: Pathogenic. Variant type: Missense; amino acid change: p.Pro409Ser. Criteria: PM1, PM2, PM5, PP2, PP3, PS4,

Labcorp Genetics (formerly Invitae), Labcorp
Classification: Pathogenic for Fabry disease. Last evaluated: 2020-07-15. Review status: criteria provided, single submitter. Criteria: Invitae Variant Classification Sherloc (09022015). Collection method: clinical testing. Allele origin: germline.
Comment: This sequence change replaces proline with serine at codon 409 of the GLA protein (p.Pro409Ser). The proline residue is highly conserved and there is a moderate physicochemical difference between proline and serine. This variant is not present in population databases (ExAC no frequency). This variant has been observed in individual(s) with Fabry disease (PMID: 28768754, 31392112, 12428061, Invitae). ClinVar contains an entry for this variant (Variation ID: 237123). Algorithms developed to predict the effect of missense changes on protein structure and function (SIFT, PolyPhen-2, Align-GVGD) all suggest that this variant is likely to be disruptive, but these predictions have not been confirmed by published functional studies and their clinical significance is uncertain. This variant disrupts the p.Pro409 amino acid residue in GLA. Other variant(s) that disrupt this residue have been determined to be pathogenic (PMID: 21598360, 11668641, 12428061). This suggests that this residue is clinically significant, and that variants that disrupt this residue are likely to be disease-causing. For these reasons, this variant has been classified as Pathogenic.

Eurofins Ntd Llc (ga)
Classification: Likely pathogenic. Last evaluated: 2016-11-04. Review status: criteria provided, single submitter. Criteria: EGL Classification Definitions 2015. Collection method: clinical testing. Allele origin: germline.

Literature cited by the submitters: PubMed 26880903 (cited by Genomenon, Inc); PubMed 31392112 (cited by 3 submitters); PubMed 17656478 (cited by Genomenon, Inc); PubMed 12428061 (cited by 3 submitters); PubMed 28768754 (cited by 3 submitters); PubMed 27657681 (cited by Genomenon, Inc); PubMed 11668641 (cited by Serv. Biochemistry and Molecular genetics, Hospital Clinic de Barcelona, Hospital Clínic de Barcelona and Labcorp Genetics (formerly Invitae), Labcorp); PubMed 21598360 (cited by Serv. Biochemistry and Molecular genetics, Hospital Clinic de Barcelona, Hospital Clínic de Barcelona and Labcorp Genetics (formerly Invitae), Labcorp); PubMed 11295840 (cited by Serv. Biochemistry and Molecular genetics, Hospital Clinic de Barcelona, Hospital Clínic de Barcelona).